The following is an entry in ClinVar:

ClinVar aggregate classification (germline): Uncertain significance (1 of 4 stars; one submission).

Submission:

Ambry Genetics
Classification: Uncertain significance. Last evaluated: 2025-02-08. Review status: criteria provided, single submitter. Criteria: Ambry Variant Classification Scheme 2023. Collection method: clinical testing. Allele origin: germline.
Comment: The p.P476A variant (also known as c.1426C>G), located in coding exon 10 of the RINT1 gene, results from a C to G substitution at nucleotide position 1426. The proline at codon 476 is replaced by alanine, an amino acid with highly similar properties. This amino acid position is conserved. In addition, the in silico prediction for this alteration is inconclusive. Based on the available evidence, the clinical significance of this variant remains unclear.

NM_021930.6(RINT1):c.1426C>G (p.Pro476Ala)

Gene: RINT1 (RAD50 interactor 1; plus strand). Cytogenetic location: 7q22.3.
Variant type: single nucleotide variant.
Coding change: c.1426C>G on transcript NM_021930.6 (MANE Select); coding-DNA position 1426, C replaced by G.
Protein change: p.Pro476Ala; replaces proline 476 with alanine.
Molecular consequence: missense variant. On other transcripts: non-coding transcript variant (1).
Genome position (GRCh38, 1-based): chr7:105,551,662, C>G. VCF-style: chr7-105551662-C-G. GRCh37 (hg19) VCF-style: chr7-105192109-C-G.
Other names: c.1192C>G, p.Pro398Ala (NM_001346599.2); c.403C>G, p.Pro135Ala (NM_001346600.2, NM_001346603.2); c.502C>G, p.Pro168Ala (NM_001346601.2); short protein forms P476A, P398A, P135A, P168A.
Identifiers: ClinVar variation 3789231 (VCV003789231.1).